The following is an entry in ClinVar:

ClinVar aggregate classification (germline): Uncertain significance. Review status: criteria provided, multiple submitters, no conflicts (2 of 4 stars). 2 submissions from 2 submitters: Uncertain significance (2). Last evaluated 2025-03-29.

Conditions:
Autoimmune interstitial lung disease-arthritis syndrome. Also called: Autoinflammation and autoimmunity, systemic, with immune dysregulation. Identifiers: Orphanet 444092, MedGen C5975714, MONDO:0014629.
Inborn genetic diseases. Identifiers: MedGen C0950123, MeSH D030342.

Submissions (2):

Labcorp Genetics (formerly Invitae), Labcorp
Classification: Uncertain significance for Autoimmune interstitial lung disease-arthritis syndrome. Last evaluated: 2025-03-29. Review status: criteria provided, single submitter. Criteria: Invitae Variant Classification Sherloc (09022015). Collection method: clinical testing. Allele origin: germline.
Comment: This sequence change replaces cysteine, which is neutral and slightly polar, with tyrosine, which is neutral and polar, at codon 514 of the COPA protein (p.Cys514Tyr). This variant is not present in population databases (gnomAD no frequency). This variant has not been reported in the literature in individuals affected with COPA-related conditions. ClinVar contains an entry for this variant (Variation ID: 3495949). Invitae Evidence Modeling of protein sequence and biophysical properties (such as structural, functional, and spatial information, amino acid conservation, physicochemical variation, residue mobility, and thermodynamic stability) has been performed for this missense variant. However, the output from this modeling did not meet the statistical confidence thresholds required to predict the impact of this variant on COPA protein function. In summary, the available evidence is currently insufficient to determine the role of this variant in disease. Therefore, it has been classified as a Variant of Uncertain Significance.

Ambry Genetics
Classification: Uncertain significance for Inborn genetic diseases. Last evaluated: 2024-09-26. Review status: criteria provided, single submitter. Criteria: Ambry Variant Classification Scheme 2023. Collection method: clinical testing. Allele origin: germline.

NM_004371.4(COPA):c.1541G>A (p.Cys514Tyr)

Gene: COPA (coat protein complex I subunit alpha; minus strand). Cytogenetic location: 1q23.2.
Variant type: single nucleotide variant.
Coding change: c.1541G>A on transcript NM_004371.4 (MANE Select); coding-DNA position 1541, G replaced by A.
Protein change: p.Cys514Tyr; replaces cysteine 514 with tyrosine.
Molecular consequence: missense variant.
Genome position (GRCh38, 1-based): chr1:160,305,559, C>T on the plus strand (G>A on the coding strand, the complement: COPA is on the minus strand). VCF-style: chr1-160305559-C-T. GRCh37 (hg19) VCF-style: chr1-160275349-C-T.
Other names: c.1568G>A, p.Cys523Tyr (NM_001098398.2); short protein forms C523Y, C514Y.
Identifiers: ClinVar variation 3495949 (VCV003495949.2).